The following is an entry in ClinVar:

NM_001330078.2(NRXN1):c.1264A>G (p.Thr422Ala)

Gene: NRXN1 (neurexin 1; minus strand). Cytogenetic location: 2p16.3.
Variant type: single nucleotide variant.
Coding change: c.1264A>G on transcript NM_001330078.2 (MANE Select); coding-DNA position 1264, A replaced by G.
Protein change: p.Thr422Ala; replaces threonine 422 with alanine.
Molecular consequence: missense variant.
Genome position (GRCh38, 1-based): chr2:50,620,078, T>C on the plus strand (A>G on the coding strand, the complement: NRXN1 is on the minus strand). VCF-style: chr2-50620078-T-C. GRCh37 (hg19) VCF-style: chr2-50847216-T-C.
Other names: c.1384A>G, p.Thr462Ala (NM_001135659.3); c.1240A>G, p.Thr414Ala (NM_001330077.2, NM_001330082.2, NM_001330095.2); c.1225A>G, p.Thr409Ala (NM_001330083.2, NM_001330084.2); c.1264A>G, p.Thr422Ala (NM_001330085.2, NM_001330086.2, NM_004801.6); c.1180A>G, p.Thr394Ala (NM_001330087.2, NM_001330096.2); c.1210A>G, p.Thr404Ala (NM_001330088.2); c.1261A>G, p.Thr421Ala (NM_001330093.2); c.1252A>G, p.Thr418Ala (NM_001330094.2); short protein forms T394A, T404A, T409A, T414A, T418A, T421A, T422A, T462A.
Identifiers: ClinVar variation 1056488 (VCV001056488.9), dbSNP rs778131264, ClinGen allele CA1655077.

ClinVar aggregate classification (germline): Uncertain significance (1 of 4 stars; one submission).

Conditions:
Pitt-Hopkins-like syndrome 2 (PTHSL2). Identifiers: Orphanet 221150, Orphanet 600663, MedGen C3280479, MONDO:0013690, OMIM 614325.

Allele frequency attached by ClinVar (database versions not stated): gnomAD 0.00001; gnomAD exomes 0.00001; ExAC 0.00002; TOPMed 0.00002.
gnomAD v4.1: 6 of 1,613,122 alleles (0.00037%); highest among the groups gnomAD compares: African/African-American, 0.008%; no homozygotes.

Submission:

Labcorp Genetics (formerly Invitae), Labcorp
Classification: Uncertain significance for Pitt-Hopkins-like syndrome 2. Last evaluated: 2021-01-28. Review status: criteria provided, single submitter. Criteria: Invitae Variant Classification Sherloc (09022015). Collection method: clinical testing. Allele origin: germline.
Comment: In summary, the available evidence is currently insufficient to determine the role of this variant in disease. Therefore, it has been classified as a Variant of Uncertain Significance. Algorithms developed to predict the effect of missense changes on protein structure and function are either unavailable or do not agree on the potential impact of this missense change (SIFT: "Tolerated"; PolyPhen-2: "Possibly Damaging"; Align-GVGD: "Class C0"). This variant has not been reported in the literature in individuals with NRXN1-related conditions. This variant is present in population databases (rs778131264, ExAC 0.02%). This sequence change replaces threonine with alanine at codon 462 of the NRXN1 protein (p.Thr462Ala). The threonine residue is highly conserved and there is a small physicochemical difference between threonine and alanine.